The following is an entry in ClinVar:

NM_052865.4(MGME1):c.463C>T (p.Arg155Trp)

Genes: MGME1 (mitochondrial genome maintenance exonuclease 1; plus strand), LOC126862983 (CDK7 strongly-dependent group 2 enhancer GRCh37_chr20:17950167-17951366; plus strand). Cytogenetic location: 20p11.23.
Variant type: single nucleotide variant.
Coding change: c.463C>T on transcript NM_052865.4 (MANE Select); coding-DNA position 463, C replaced by T.
Protein change: p.Arg155Trp; replaces arginine 155 with tryptophan.
Molecular consequence: missense variant. On other transcripts: intron variant (1).
Genome position (GRCh38, 1-based): chr20:17,970,322, C>T. VCF-style: chr20-17970322-C-T. GRCh37 (hg19) VCF-style: chr20-17950965-C-T.
Other names: c.463C>T, p.Arg155Trp (NM_001310338.2, NM_001310339.2); c.271+192C>T (NM_001363738.2); short protein forms R155W.
Identifiers: ClinVar variation 3903383 (VCV003903383.1).
Genomic context (GRCh38, chr20:17,970,322, plus strand): 5'-CGAGTCCTTCAGCAGACCATGACAAAACAACAGGTTTTCTTGTTGGAGAGGTGGAAACAG[C>T]GGATGATTCTGGAACTGGGAGAAGATGGCTTTAAAGAATACACTTCAAGTAATTATCTCA-3'
Protein context (NP_443097.1, residues 145-165): QVFLLERWKQ[Arg155Trp]MILELGEDGF

ClinVar aggregate classification (germline): Uncertain significance (1 of 4 stars; one submission).

Submission:

GeneDx
Classification: Uncertain significance. Last evaluated: 2024-12-11. Review status: criteria provided, single submitter. Criteria: GeneDx Variant Classification Process June 2021. Collection method: clinical testing. Allele origin: germline. Affected: yes.
Comment: Not observed at significant frequency in large population cohorts (gnomAD); In silico analysis supports that this missense variant has a deleterious effect on protein structure/function; Has not been previously published as pathogenic or benign to our knowledge